The following continues an entry in ClinVar:

NM_007294.4(BRCA1):c.3481_3491del (p.Glu1161fs)

ClinVar aggregate classification (germline): Pathogenic. Pathogenic (1).

Submissions 12 to 27 of 40:

Color Diagnostics, LLC DBA Color Health
Classification: Pathogenic for Hereditary cancer-predisposing syndrome. Last evaluated: 2024-08-12. Review status: criteria provided, single submitter. Criteria: ACMG Guidelines, 2015. Collection method: clinical testing. Allele origin: germline. Not counted in ClinVar's aggregate classification.
Comment: This variant deletes 11 nucleotides in exon 10 of the BRCA1 gene, creating a frameshift and premature translation stop signal. This variant is also known as 3600del11 and c.3481_3491del11 in the literature. This variant is expected to result in an absent or non-functional protein product. To our knowledge, functional studies have not been reported for this variant. This variant has been observed in multiple families and individuals affected with breast and ovarian cancer (PMID: 7611277, 9150149, 9760198, 10196379, 12955716, 15131401, 22006311, 23199084, 25880076, 26287763, 26681312, 27062684, 34680878, 35264596, 37444530), in a breast cancer case-control meta-analysis in 6/60466 cases and 1/53461 unaffected individuals (PMID: 33471991; Leiden Open Variation Database DB-ID BRCA1_000258), and has been suggested to be a common founder mutation in France (PMID: 15131401). This variant has not been identified in the general population by the Genome Aggregation Database (gnomAD). Loss of BRCA1 function is a known mechanism of disease. Based on the available evidence, this variant is classified as Pathogenic.

Baylor Genetics
Classification: Pathogenic for Breast-ovarian cancer, familial, susceptibility to, 1. Last evaluated: 2024-03-15. Review status: criteria provided, single submitter. Criteria: ACMG Guidelines, 2015. Collection method: clinical testing. Allele origin: unknown. Not counted in ClinVar's aggregate classification.

CeGaT Center for Human Genetics Tuebingen
Classification: Pathogenic. Last evaluated: 2024-03-01. Review status: criteria provided, single submitter. Criteria: CeGaT Center For Human Genetics Tuebingen Variant Classification Criteria Version 2. Collection method: clinical testing. Allele origin: germline. Affected: yes. Observed: 4 variant alleles. Not counted in ClinVar's aggregate classification.
Comment: BRCA1: PVS1, PM2, PS4:Moderate

Clinical Genetics Laboratory, Skane University Hospital Lund
Classification: Pathogenic. Last evaluated: 2023-09-07. Review status: criteria provided, single submitter. Criteria: ACMG Guidelines, 2015. Collection method: clinical testing. Allele origin: germline. Affected: yes. Not counted in ClinVar's aggregate classification.

Quest Diagnostics Nichols Institute San Juan Capistrano
Classification: Pathogenic. Last evaluated: 2023-06-28. Review status: criteria provided, single submitter. Criteria: Quest Diagnostics criteria. Collection method: clinical testing. Allele origin: unknown. Not counted in ClinVar's aggregate classification.
Comment: The BRCA1 c.3481_3491del (p.Glu1161Phefs*3) variant alters the translational reading frame of the BRCA1 mRNA and causes the premature termination of BRCA1 protein synthesis. This variant has been reported in the published literature in individuals/families with breast and/or ovarian cancer (PMID: 35264596 (2022), 29550896 (2019), 30322717 (2018), 28493033 (2018), 26720728 (2016), 10196379 (1999), 7611277 (1995)), fallopian tube carcinoma (PMID: 22006311 (2011)), pancreatic cancer (PMID: 30736435 (2019)), and Ewing sarcoma (PMID: 28125078 (2017)). In addition, this variant is described as a French founder variant (PMID: 29550896 (2019), 28493033 (2018), 23199084 (2010)). This variant has not been reported in large, multi-ethnic general populations (Genome Aggregation Database). Based on the available information, this variant is classified as pathogenic.

MGZ Medical Genetics Center
Classification: Pathogenic for Breast-ovarian cancer, familial, susceptibility to, 1. Last evaluated: 2021-07-23. Review status: criteria provided, single submitter. Criteria: ACMG Guidelines, 2015. Collection method: clinical testing. Allele origin: germline. Affected: yes. Observed: 1 variant allele. Not counted in ClinVar's aggregate classification.
Comment: ACMG criteria applied: PVS1, PM1, PM2_SUP

Women's Health and Genetics/Laboratory Corporation of America, LabCorp
Classification: Pathogenic for Hereditary breast ovarian cancer syndrome. Last evaluated: 2021-01-02. Review status: criteria provided, single submitter. Criteria: LabCorp Variant Classification Summary - May 2015. Collection method: clinical testing. Allele origin: germline. Not counted in ClinVar's aggregate classification.
Comment: Variant summary: BRCA1 c.3481_3491del11 (p.Glu1161PhefsX3) results in a premature termination codon, predicted to cause a truncation of the encoded protein or absence of the protein due to nonsense mediated decay, which are commonly known mechanisms for disease. Truncations downstream of this position have been classified as pathogenic by our laboratory. The variant was absent in 251276 control chromosomes. c.3481_3491del11 has been widely reported in the literature in multiple individuals affected with Hereditary Breast And Ovarian Cancer Syndrome (example, Rebbeck_2018). These data indicate that the variant is very likely to be associated with disease. To our knowledge, no experimental evidence demonstrating an impact on protein function has been reported. Multiple clinical diagnostic laboratories and an expert panel (ENIGMA) have submitted clinical-significance assessments for this variant to ClinVar after 2014 without evidence for independent evaluation. All submitters classified the variant as pathogenic. Based on the evidence outlined above, the variant was classified as pathogenic.

GeneDx
Classification: Pathogenic. Last evaluated: 2020-10-28. Review status: criteria provided, single submitter. Criteria: GeneDx Variant Classification Process June 2021. Collection method: clinical testing. Allele origin: germline. Affected: yes. Not counted in ClinVar's aggregate classification.
Comment: Frameshift variant predicted to result in protein truncation or nonsense mediated decay in a gene for which loss-of-function is a known mechanism of disease; Not observed in large population cohorts (Lek 2016); Truncating variants in this gene are considered pathogenic by a well-established clinical consortium and/or database; Also known as 3600del11; This variant is associated with the following publications: (PMID: 21120943, 12955716, 25880076, 22006311, 10196379, 7611277, 20104584, 16528604, 27756336, 28263838, 26295337, 23479189, 22010008, 10946349, 16457150, 9760198, 12827452, 25862976, 25722380, 26329992, 26287763, 26720728, 28008555, 21305653, 15131401, 29550896, 28493033, 9150149, 21702907, 16267036, 27062684, 28125078, 26681312, 23199084, 30322717, 30736435, 31447099)

Institute of Medical Genetics and Applied Genomics, University Hospital Tübingen
Classification: Pathogenic. Last evaluated: 2020-10-23. Review status: criteria provided, single submitter. Criteria: ACMG Guidelines, 2015. Collection method: clinical testing. Allele origin: germline. Inheritance: Autosomal unknown. Affected: yes. Not counted in ClinVar's aggregate classification.

Clinical Genetics and Genomics, Karolinska University Hospital
Classification: Pathogenic. Last evaluated: 2018-08-17. Review status: criteria provided, single submitter. Criteria: ACMG Guidelines, 2015. Collection method: clinical testing. Allele origin: germline. Affected: yes. Observed: 2 variant alleles. Not counted in ClinVar's aggregate classification.

Human Genome Sequencing Center Clinical Lab, Baylor College of Medicine
Classification: Pathogenic for Familial breast-ovarian cancer 1. Last evaluated: 2018-07-31. Review status: criteria provided, single submitter. Criteria: ACMG Guidelines, 2015. Collection method: clinical testing. Allele origin: germline. Not counted in ClinVar's aggregate classification.
Comment: This c.3481_3491del (p.Glu1161Phefs*3) variant in exon 10 of the BRCA1 gene causes a frame shift that creates an early stop codon which is predicted to lead to nonsense-mediated mRNA decay, which is a known disease mechanism for this gene. This variant has been reported in patients and families with hereditary breast cancer and ovarian cancer (PMID: 7611277, 10196379, 15131401, 22006311, 23199084, 25880076) and is not observed in general population databases. Therefore, the c.3481_3491del (p.Glu1161Phefs*3) variant in the BRCA1 gene is classified as pathogenic.

Mendelics
Classification: Pathogenic for Hereditary breast and ovarian cancer syndrome. Last evaluated: 2018-07-02. Review status: criteria provided, single submitter. Criteria: Mendelics Assertion Criteria 2017. Collection method: clinical testing. Allele origin: unknown. Not counted in ClinVar's aggregate classification.

Genetic Services Laboratory, University of Chicago
Classification: Pathogenic. Last evaluated: 2017-12-11. Review status: criteria provided, single submitter. Criteria: ACMG Guidelines, 2015. Collection method: clinical testing. Allele origin: germline. Affected: yes. Not counted in ClinVar's aggregate classification.

Eurofins Ntd Llc (ga)
Classification: Pathogenic. Last evaluated: 2017-12-05. Review status: criteria provided, single submitter. Criteria: EGL Classification Definitions 2015. Collection method: clinical testing. Allele origin: germline. Observed: 1 variant allele, 1 heterozygote. Not counted in ClinVar's aggregate classification.

Laboratory for Molecular Medicine, Mass General Brigham Personalized Medicine
Classification: Pathogenic for Hereditary breast ovarian cancer syndrome. Last evaluated: 2016-08-04. Review status: criteria provided, single submitter. Criteria: LMM Criteria. Collection method: clinical testing. Allele origin: germline. Inheritance: Autosomal dominant inheritance. Observed: 1 variant allele. Not counted in ClinVar's aggregate classification.
Comment: The p.Glu1161fs variant in BRCA1 has been reported as a founder variant in the F rench population (Muller 2004, Janavicius 2010) that has been observed in more t han >70 individuals with BRCA1-associated cancers (Struewing 1995, Janezic 1999, Muller 2004, Breast Cancer Information Core (BIC) database). It was also absent from large population studies. This variant is predicted to cause a frameshift, which alters the protein's amino acid sequence beginning at position 1161 and l eads to a premature termination codon 3 amino acids downstream. This alteration is then predicted to lead to a truncated or absent protein. Heterozygous loss of function of the BRCA1 gene is an established disease mechanism for hereditary b reast and ovarian cancer (HBOC). Additionally, the p.Glu1161fs variant was class ified as Pathogenic on April 22, 2016 by the ClinGen-approved ENIGMA expert pane l (ClinVar SCV000282308.1). In summary, this variant meets our criteria to be cl assified as pathogenic for autosomal dominant HBOC.

Consortium of Investigators of Modifiers of BRCA1/2 (CIMBA), c/o University of Cambridge
Classification: Pathogenic for Breast-ovarian cancer, familial, susceptibility to, 1. Last evaluated: 2015-10-02. Review status: criteria provided, single submitter. Criteria: CIMBA Mutation Classification guidelines May 2016. Collection method: clinical testing. Allele origin: germline. Not counted in ClinVar's aggregate classification.